The following is an entry in ClinVar:

NM_031935.3(HMCN1):c.3758A>G (p.Glu1253Gly)

Gene: HMCN1 (hemicentin 1; plus strand). Cytogenetic location: 1q31.1.
Variant type: single nucleotide variant.
Coding change: c.3758A>G on transcript NM_031935.3 (MANE Select); coding-DNA position 3758, A replaced by G.
Protein change: p.Glu1253Gly; replaces glutamic acid 1253 with glycine.
Molecular consequence: missense variant.
Genome position (GRCh38, 1-based): chr1:185,995,067, A>G. VCF-style: chr1-185995067-A-G. GRCh37 (hg19) VCF-style: chr1-185964199-A-G.
Other names: short protein forms E1253G.
Identifiers: ClinVar variation 3676861 (VCV003676861.2).

ClinVar aggregate classification (germline): Uncertain significance (1 of 4 stars; one submission).

gnomAD v4.1: 40 of 1,613,626 alleles (0.0025%); highest among the groups gnomAD compares: Non-Finnish European, 0.0032%; no homozygotes.

Submission:

Labcorp Genetics (formerly Invitae), Labcorp
Classification: Uncertain significance. Last evaluated: 2024-09-14. Review status: criteria provided, single submitter. Criteria: Invitae Variant Classification Sherloc (09022015). Collection method: clinical testing. Allele origin: germline.
Comment: This sequence change replaces glutamic acid, which is acidic and polar, with glycine, which is neutral and non-polar, at codon 1253 of the HMCN1 protein (p.Glu1253Gly). This variant is present in population databases (no rsID available, gnomAD 0.0009%). This variant has not been reported in the literature in individuals affected with HMCN1-related conditions. An algorithm developed to predict the effect of missense changes on protein structure and function (PolyPhen-2) suggests that this variant is likely to be tolerated. In summary, the available evidence is currently insufficient to determine the role of this variant in disease. Therefore, it has been classified as a Variant of Uncertain Significance.